The following is an entry in ClinVar:

NM_000204.5(CFI):c.570G>T (p.Glu190Asp)

Gene: CFI (complement factor I; minus strand). Cytogenetic location: 4q25.
Variant type: single nucleotide variant.
Coding change: c.570G>T on transcript NM_000204.5 (MANE Select); coding-DNA position 570, G replaced by T.
Protein change: p.Glu190Asp; replaces glutamic acid 190 with aspartic acid.
Molecular consequence: missense variant. On other transcripts: 5 prime UTR variant (1), non-coding transcript variant (3).
Genome position (GRCh38, 1-based): chr4:109,761,605, C>A on the plus strand (G>T on the coding strand, the complement: CFI is on the minus strand). VCF-style: chr4-109761605-C-A. GRCh37 (hg19) VCF-style: chr4-110682761-C-A.
Other names: c.570G>T, p.Glu190Asp (NM_001318057.2, NM_001331035.2, NM_001375278.1 and 5 more transcripts); c.-40G>T (NM_001375284.1); c.570G>T (NM_000204.3); short protein forms E190D.
Identifiers: ClinVar variation 1359466 (VCV001359466.9), dbSNP rs200086211, ClinGen allele CA3042225.

ClinVar aggregate classification (germline): Uncertain significance. Review status: criteria provided, multiple submitters, no conflicts (2 of 4 stars). 4 submissions from 4 submitters: Uncertain significance (4). Last evaluated 2025-11-16.

Conditions:
CFI-related disorder. Also called: CFI-related condition; CFI-related disorders. Identifiers: MedGen CN239325.
Factor I deficiency (CFID). Also called: Complement factor I deficiency. Identifiers: Orphanet 200418, MedGen C3463916, MONDO:0012594, OMIM 610984.
Atypical hemolytic-uremic syndrome with I factor anomaly. Also called: HEMOLYTIC UREMIC SYNDROME, ATYPICAL, SUSCEPTIBILITY TO, 3; AHUS, SUSCEPTIBILITY TO, 3. Identifiers: Orphanet 2134, MedGen C2752039, MONDO:0013041, OMIM 612923.
Age related macular degeneration 13. Identifiers: MedGen C3809523, MONDO:0014189, OMIM 615439.

Allele frequency attached by ClinVar (database versions not stated): ExAC 0.00001; gnomAD exomes 0.00001; gnomAD 0.00007 and 0.00009; 1000 Genomes Project 0.00020; TOPMed 0.00021; 1000 Genomes Project 30x 0.00031.
gnomAD v4.1: 31 of 1,613,918 alleles (0.0019%); highest among the groups gnomAD compares: Admixed American, 0.025%; no homozygotes.

Submissions (4):

Labcorp Genetics (formerly Invitae), Labcorp
Classification: Uncertain significance. Last evaluated: 2025-11-16. Review status: criteria provided, single submitter. Criteria: Invitae Variant Classification Sherloc (09022015). Collection method: clinical testing. Allele origin: germline.
Comment: This sequence change replaces glutamic acid, which is acidic and polar, with aspartic acid, which is acidic and polar, at codon 190 of the CFI protein (p.Glu190Asp). This variant is present in population databases (rs200086211, gnomAD 0.003%). This missense change has been observed in individual(s) with autosomal dominant hemolytic uremic syndrome (PMID: 35619721). ClinVar contains an entry for this variant (Variation ID: 1359466). Invitae Evidence Modeling of protein sequence and biophysical properties (such as structural, functional, and spatial information, amino acid conservation, physicochemical variation, residue mobility, and thermodynamic stability) indicates that this missense variant is expected to disrupt CFI protein function with a positive predictive value of 80%. In summary, the available evidence is currently insufficient to determine the role of this variant in disease. Therefore, it has been classified as a Variant of Uncertain Significance.

Genomenon, Inc
Classification: Uncertain significance for CFI-related disorder. Last evaluated: 2025-09-26. Review status: criteria provided, single submitter. Criteria: Genomenon Sequence Variant Interpretation Standards - Updated. Collection method: curation. Allele origin: germline. Affected: yes.
Comment: CFI p.Glu190Asp (c.570G>T) is a missense variant that changes the amino acid at residue 190 from Glutamic acid to Aspartic acid. This variant has been observed in at least one proband affected with a CFI-related disorder (PMID:35619721). It is absent or not present at a significant frequency in gnomAD. In conclusion, we classify CFI p.Glu190Asp (c.570G>T) as a variant of unknown significance.

Fulgent Genetics
Classification: Uncertain significance for Factor I deficiency; Atypical hemolytic-uremic syndrome with I factor anomaly; Age related macular degeneration 13. Last evaluated: 2024-03-25. Review status: criteria provided, single submitter. Criteria: ACMG Guidelines, 2015. Collection method: clinical testing. Allele origin: germline.

GeneDx
Classification: Uncertain significance. Last evaluated: 2024-03-06. Review status: criteria provided, single submitter. Criteria: GeneDx Variant Classification Process June 2021. Collection method: clinical testing. Allele origin: germline. Affected: yes.
Comment: Reported in the heterozygous state in a patient with atypical hemolytic uremic syndrome and in a patient with C3 glomerulopathy in published literature (PMID: 35619721); In silico analysis supports that this missense variant has a deleterious effect on protein structure/function; This variant is associated with the following publications: (PMID: 37478687, 35619721)

Literature cited by the submitters: PubMed 35619721 (cited by Labcorp Genetics (formerly Invitae), Labcorp and Genomenon, Inc).